The following is an entry in ClinVar:

NM_033064.5(ATCAY):c.*441G>C

Gene: ATCAY (ATCAY kinesin light chain interacting caytaxin; plus strand). Cytogenetic location: 19p13.3.
Variant type: single nucleotide variant.
Coding change: c.*441G>C on transcript NM_033064.5 (MANE Select); 441 bases downstream of the stop codon, G replaced by C.
Molecular consequence: 3 prime UTR variant.
Genome position (GRCh38, 1-based): chr19:3,925,033, G>C. VCF-style: chr19-3925033-G-C. GRCh37 (hg19) VCF-style: chr19-3925031-G-C.
Identifiers: ClinVar variation 329161 (VCV000329161.29), dbSNP rs117035326, ClinGen allele CA10651919.
Genomic context (GRCh38, chr19:3,925,033, plus strand): 5'-GCTTGTCACCCGCTCCAGGTTGGAGCCACAGACACCCACCGCCACCCCGGCTGGGTCTGC[G>C]TCCTTTCCTGTGCCTTTCCCTCCAGAATGCGGCCTCAGACCTAGAAGCTCAACCCCCCTA-3'

ClinVar aggregate classification (germline): Benign/Likely benign. Review status: criteria provided, multiple submitters, no conflicts (2 of 4 stars). 2 submissions from 2 submitters: Benign (1); Likely benign (1). Last evaluated 2023-01-01.

Conditions:
Cayman type cerebellar ataxia. Also called: Cayman ataxia. Identifiers: Orphanet 94122, MedGen C1832585, MONDO:0011025, OMIM 601238.

Allele frequency attached by ClinVar (database versions not stated): TOPMed 0.00350; 1000 Genomes Project 0.00379; 1000 Genomes Project 30x 0.00437.
gnomAD v4.1: 702 of 163,536 alleles (0.43%); highest among the groups gnomAD compares: South Asian, 1.3%; 4 homozygotes.

Submissions (2):

CeGaT Center for Human Genetics Tuebingen
Classification: Benign. Last evaluated: 2023-01-01. Review status: criteria provided, single submitter. Criteria: CeGaT Center For Human Genetics Tuebingen Variant Classification Criteria Version 2. Collection method: clinical testing. Allele origin: germline. Affected: yes. Observed: 1 variant allele.
Comment: ATCAY: BS1, BS2

Illumina Laboratory Services, Illumina
Classification: Likely benign for Cayman type cerebellar ataxia. Last evaluated: 2018-01-12. Review status: criteria provided, single submitter. Criteria: ICSL Variant Classification Criteria 13 December 2019. Collection method: clinical testing. Allele origin: germline.
Comment: This variant was observed in the ICSL laboratory as part of a predisposition screen in an ostensibly healthy population. It had not been previously curated by ICSL or reported in the Human Gene Mutation Database (HGMD: prior to June 1st, 2018), and was therefore a candidate for classification through an automated scoring system. Utilizing variant allele frequency, disease prevalence and penetrance estimates, and inheritance mode, an automated score was calculated to assess if this variant is too frequent to cause the disease. Based on the score and internal cut-off values, a variant classified as likely benign is not then subjected to further curation. The score for this variant resulted in a classification of likely benign for this disease.